The following is an entry in ClinVar:

ClinVar aggregate classification (germline): Uncertain significance. Review status: criteria provided, multiple submitters, no conflicts (2 of 4 stars). 2 submissions from 2 submitters: Uncertain significance (2). Last evaluated 2025-12-22.

Conditions:
Familial adenomatous polyposis 1 (FAP1). Also called: FAMILIAL ADENOMATOUS POLYPOSIS 1, ATTENUATED; POLYPOSIS, ADENOMATOUS INTESTINAL. Identifiers: MedGen C2713442, MONDO:0021056, OMIM 175100. Disease mechanism: loss of function.
Hereditary cancer-predisposing syndrome. Also called: Neoplastic Syndromes, Hereditary; Tumor predisposition; Hereditary Cancer Syndrome; Hereditary neoplastic syndrome. Identifiers: Orphanet 140162, MedGen C0027672, MeSH D009386, MONDO:0015356.

Submissions (2):

Ambry Genetics
Classification: Uncertain significance for Hereditary cancer-predisposing syndrome. Last evaluated: 2025-12-22. Review status: criteria provided, single submitter. Criteria: Ambry Variant Classification Scheme 2023. Collection method: clinical testing. Allele origin: germline.
Comment: The c.6085_6093delTCTCTTAGT variant (also known as p.S2029_S2031del) is located in coding exon 15 of the APC gene. This variant results from an in-frame TCTCTTAGT deletion at nucleotide positions 6085 to 6093. This results in the in-frame deletion of SLS residues at codons 2029 to 2031. This amino acid region is highly conserved in available vertebrate species. Based on the available evidence, the clinical significance of this variant remains unclear.

Labcorp Genetics (formerly Invitae), Labcorp
Classification: Uncertain significance for Familial adenomatous polyposis 1. Last evaluated: 2022-07-29. Review status: criteria provided, single submitter. Criteria: Invitae Variant Classification Sherloc (09022015). Collection method: clinical testing. Allele origin: germline.
Comment: In summary, the available evidence is currently insufficient to determine the role of this variant in disease. Therefore, it has been classified as a Variant of Uncertain Significance. Experimental studies and prediction algorithms are not available or were not evaluated, and the functional significance of this variant is currently unknown. This variant has not been reported in the literature in individuals affected with APC-related conditions. This variant is not present in population databases (gnomAD no frequency). This variant, c.6085_6093del, results in the deletion of 3 amino acid(s) of the APC protein (p.Ser2029_Ser2031del), but otherwise preserves the integrity of the reading frame.

NM_000038.6(APC):c.6085_6093del (p.2026SLS[1])

Gene: APC (APC regulator of Wnt signaling pathway; plus strand). Cytogenetic location: 5q22.2.
Variant type: Deletion.
Coding change: c.6085_6093del on transcript NM_000038.6 (MANE Select); coding-DNA positions 6085 to 6093, 9 bases deleted (TCTCTTAGT; older notation c.6085_6093delTCTCTTAGT).
Protein change: p.2026SLS[1].
Molecular consequence: inframe deletion. On other transcripts: inframe indel (20).
Genome position (GRCh38, 1-based): chr5:112,841,679-112,841,687, TCTCTTAGT deleted; deleting any 9 consecutive bases within chr5:112,841,676-112,841,687 gives the same sequence; the c. name uses the placement nearest the transcript's 3' end. VCF-style (leftmost placement, unchanged base first): chr5-112841675-CAGTTCTCTT-C. GRCh37 (hg19) VCF-style: chr5-112177372-CAGTTCTCTT-C.
Other names: c.6085_6093del, p.2026SLS[1] (NM_001127510.3, NM_001354895.2); c.6031_6039del, p.2008SLS[1] (NM_001127511.3); c.6139_6147del, p.2044SLS[1] (NM_001354896.2); c.6115_6123del, p.2036SLS[1] (NM_001354897.2); c.6010_6018del, p.2001SLS[1] (NM_001354898.2); c.6001_6009del, p.1998SLS[1] (NM_001354899.2); c.5962_5970del, p.1985SLS[1] (NM_001354900.2); c.5908_5916del, p.1967SLS[1] (NM_001354901.2); and 17 more.
Identifiers: ClinVar variation 2005550 (VCV002005550.5), dbSNP rs863224821, ClinGen allele CA2580072811.